The following is an entry in ClinVar:

ClinVar aggregate classification (germline): Uncertain significance (1 of 4 stars; one submission).

Conditions:
Nemaline myopathy 6 (NEM6). Also called: Nemaline myopathy 6, autosomal dominant. Identifiers: Orphanet 171439, MedGen C1836472, MONDO:0012237, OMIM 609273.

Submission:

Labcorp Genetics (formerly Invitae), Labcorp
Classification: Uncertain significance for Nemaline myopathy 6. Last evaluated: 2023-08-31. Review status: criteria provided, single submitter. Criteria: Invitae Variant Classification Sherloc (09022015). Collection method: clinical testing. Allele origin: germline.
Comment: This sequence change replaces glutamic acid, which is acidic and polar, with valine, which is neutral and non-polar, at codon 266 of the KBTBD13 protein (p.Glu266Val). Information on the frequency of this variant in the gnomAD database is not available, as this variant may be reported differently in the database. This variant has not been reported in the literature in individuals affected with KBTBD13-related conditions. An algorithm developed to predict the effect of missense changes on protein structure and function (PolyPhen-2) suggests that this variant is likely to be disruptive. In summary, the available evidence is currently insufficient to determine the role of this variant in disease. Therefore, it has been classified as a Variant of Uncertain Significance.

NM_001101362.3(KBTBD13):c.797_798delinsTG (p.Glu266Val)

Gene: KBTBD13 (kelch repeat and BTB domain containing 13; plus strand). Cytogenetic location: 15q22.31.
Variant type: Indel.
Coding change: c.797_798delinsTG on transcript NM_001101362.3 (MANE Select); coding-DNA positions 797 to 798, AA replaced by TG.
Protein change: p.Glu266Val; replaces glutamic acid 266 with valine.
Molecular consequence: missense variant.
Genome position (GRCh38, 1-based): chr15:65,077,612-65,077,613, AA replaced by TG. VCF-style: chr15-65077612-AA-TG. GRCh37 (hg19) VCF-style: chr15-65369950-AA-TG.
Other names: short protein forms E266V.
Identifiers: ClinVar variation 2722954 (VCV002722954.3), dbSNP rs2506309645, ClinGen allele CA2697549138.